The following is an entry in ClinVar:

ClinVar aggregate classification (germline): Uncertain significance (1 of 4 stars; one submission).

Conditions:
Primary ciliary dyskinesia. Also called: Ciliary dyskinesia. Identifiers: Orphanet 244, MedGen C0008780, MONDO:0016575, HP:0012265.

Submission:

Ambry Genetics
Classification: Uncertain significance for Primary ciliary dyskinesia. Last evaluated: 2019-07-23. Review status: criteria provided, single submitter. Criteria: Ambry Variant Classification Scheme 2023. Collection method: clinical testing. Allele origin: germline.
Comment: The p.Y4024S variant (also known as c.12071A>C), located in coding exon 71 of the DNAH5 gene, results from an A to C substitution at nucleotide position 12071. The tyrosine at codon 4024 is replaced by serine, an amino acid with dissimilar properties. This amino acid position is highly conserved in available vertebrate species. In addition, the in silico prediction for this alteration is inconclusive. Since supporting evidence is limited at this time, the clinical significance of this alteration remains unclear.

NM_001369.3(DNAH5):c.12071A>C (p.Tyr4024Ser)

Gene: DNAH5 (dynein axonemal heavy chain 5; minus strand). Cytogenetic location: 5p15.2.
Variant type: single nucleotide variant.
Coding change: c.12071A>C on transcript NM_001369.3 (MANE Select); coding-DNA position 12071, A replaced by C.
Protein change: p.Tyr4024Ser; replaces tyrosine 4024 with serine.
Molecular consequence: missense variant.
Genome position (GRCh38, 1-based): chr5:13,721,208, T>G on the plus strand (A>C on the coding strand, the complement: DNAH5 is on the minus strand). VCF-style: chr5-13721208-T-G. GRCh37 (hg19) VCF-style: chr5-13721317-T-G.
Other names: short protein forms Y4024S.
Identifiers: ClinVar variation 1748987 (VCV001748987.2), dbSNP rs1389508391, ClinGen allele CA359214778.